The following is an entry in ClinVar:

NM_002693.3(POLG):c.1192C>T (p.Gln398Ter)

Gene: POLG (DNA polymerase gamma, catalytic subunit; minus strand). Cytogenetic location: 15q26.1.
Variant type: single nucleotide variant.
Coding change: c.1192C>T on transcript NM_002693.3 (MANE Select); coding-DNA position 1192, C replaced by T.
Protein change: p.Gln398Ter; replaces glutamine 398 with a stop codon.
Molecular consequence: nonsense.
Genome position (GRCh38, 1-based): chr15:89,328,514, G>A on the plus strand (C>T on the coding strand, the complement: POLG is on the minus strand). VCF-style: chr15-89328514-G-A. GRCh37 (hg19) VCF-style: chr15-89871745-G-A.
Other names: c.1192C>T, p.Gln398Ter (NM_001126131.2); short protein forms Q398*.
Identifiers: ClinVar variation 5016093 (VCV005016093.1).

ClinVar aggregate classification (germline): Pathogenic (1 of 4 stars; one submission).

Conditions:
POLG-related disorder. Also called: POLG-Related Spectrum Disorders; POLG-related condition; POLG-Related Disorders. Identifiers: MedGen C4763519.

gnomAD v4.1: 1 of 1,613,802 alleles (0.000062%); highest among the groups gnomAD compares: Non-Finnish European, 0.000085%; no homozygotes.

Submission:

Myriad Genetics, Inc.
Classification: Pathogenic for POLG-related disorder. Last evaluated: 2026-06-29. Review status: criteria provided, single submitter. Criteria: Myriad Autosomal Dominant, Autosomal Recessive and X-Linked Classification Criteria (2023). Collection method: clinical testing. Allele origin: unknown.
Comment: NM_002693.2(POLG):c.1192C>T(Q398*) is expected to be pathogenic in the context of POLG-related disorders. This variant is predicted to lead to an abnormal or absent protein product due to the creation of a premature termination codon in POLG, a gene where loss-of-function variants are known to be pathogenic. Please note: this variant was assessed in the context of healthy population screening.